The following is an entry in ClinVar:

NM_001103.4(ACTN2):c.2446G>A (p.Asp816Asn)

Gene: ACTN2 (actinin alpha 2; plus strand). Cytogenetic location: 1q43.
Variant type: single nucleotide variant.
Coding change: c.2446G>A on transcript NM_001103.4 (MANE Select); coding-DNA position 2446, G replaced by A.
Protein change: p.Asp816Asn; replaces aspartic acid 816 with asparagine.
Molecular consequence: missense variant.
Genome position (GRCh38, 1-based): chr1:236,761,093, G>A. VCF-style: chr1-236761093-G-A. GRCh37 (hg19) VCF-style: chr1-236924393-G-A.
Other names: c.2446G>A, p.Asp816Asn (NM_001278343.2); c.1822G>A, p.Asp608Asn (NM_001278344.2); short protein forms D816N, D608N.
Identifiers: ClinVar variation 387615 (VCV000387615.15), dbSNP rs1057522840, ClinGen allele CA16603599.

ClinVar aggregate classification (germline): Conflicting classifications of pathogenicity. Review status: criteria provided, conflicting classifications (1 of 4 stars). 5 submissions from 5 submitters: Uncertain significance (2); Likely benign (1). 2 of the submissions do not count toward it. Last evaluated 2025-12-26.

Conditions:
Primary familial hypertrophic cardiomyopathy (HCM). Identifiers: Orphanet 99739, MedGen C0949658, MeSH D024741, MONDO:0024573. Inheritance: Various modes of inheritance.
Dilated cardiomyopathy 1AA (CMD1AA). Also called: Cardiomyopathy, dilated, 1AA, with or without LVNC; CARDIOMYOPATHY, FAMILIAL HYPERTROPHIC, 23, WITH OR WITHOUT LEFT VENTRICULAR NONCOMPACTION; CARDIOMYOPATHY, DILATED, 1AA, WITH OR WITHOUT LEFT VENTRICULAR NONCOMPACTION. Identifiers: Orphanet 154, MedGen C2677338, MONDO:0012808, OMIM 612158.
Cardiovascular phenotype. Identifiers: MedGen CN230736.

Allele frequency attached by ClinVar (database versions not stated): gnomAD exomes below 0.00001; TOPMed 0.00002; gnomAD 0.00003 and 0.00004.
gnomAD v4.1: 9 of 1,613,874 alleles (0.00056%); highest among the groups gnomAD compares: African/African-American, 0.008%; no homozygotes.

Submissions (5):

Labcorp Genetics (formerly Invitae), Labcorp
Classification: Likely benign for Primary familial hypertrophic cardiomyopathy; Dilated cardiomyopathy 1AA. Last evaluated: 2025-12-26. Review status: criteria provided, single submitter. Criteria: Invitae Variant Classification Sherloc (09022015). Collection method: clinical testing. Allele origin: germline.

Ambry Genetics
Classification: Uncertain significance for Cardiovascular phenotype. Last evaluated: 2023-10-03. Review status: criteria provided, single submitter. Criteria: Ambry Variant Classification Scheme 2023. Collection method: clinical testing. Allele origin: germline.
Comment: The p.D816N variant (also known as c.2446G>A), located in coding exon 20 of the ACTN2 gene, results from a G to A substitution at nucleotide position 2446. The aspartic acid at codon 816 is replaced by asparagine, an amino acid with highly similar properties. This alteration has been reported in a hypertrophic cardiomyopathy (HCM) cohort; however, clinical details are limited (Mademont-Soler I et al. PLoS One, 2017 Aug;12:e0181465). This amino acid position is highly conserved in available vertebrate species. In addition, this alteration is predicted to be tolerated by in silico analysis. Since supporting evidence is limited at this time, the clinical significance of this alteration remains unclear.

GeneDx
Classification: Uncertain significance. Last evaluated: 2020-08-18. Review status: criteria provided, single submitter. Criteria: GeneDx Variant Classification Process June 2021. Collection method: clinical testing. Allele origin: germline. Affected: yes.
Comment: Not observed at a significant frequency in large population cohorts (Lek et al., 2016); In silico analysis supports that this missense variant has a deleterious effect on protein structure/function; Has not been previously published as pathogenic or benign to our knowledge

Clinical Genetics, Academic Medical Center
Classification: Uncertain significance. Review status: no assertion criteria provided. Collection method: clinical testing. Allele origin: germline. Affected: yes. Study: VKGL Data-share Consensus. Not counted in ClinVar's aggregate classification.

Laboratory of Diagnostic Genome Analysis, Leiden University Medical Center (LUMC)
Classification: Uncertain significance. Review status: no assertion criteria provided. Collection method: clinical testing. Allele origin: germline. Affected: yes. Study: VKGL Data-share Consensus. Not counted in ClinVar's aggregate classification.

Literature cited by the submitters: PubMed 28771489 (cited by Ambry Genetics).